The following is an entry in ClinVar:

NM_006996.3(SLC19A2):c.212A>G (p.Asn71Ser)

Gene: SLC19A2 (solute carrier family 19 member 2; minus strand). Cytogenetic location: 1q24.2.
Variant type: single nucleotide variant.
Coding change: c.212A>G on transcript NM_006996.3 (MANE Select); coding-DNA position 212, A replaced by G.
Protein change: p.Asn71Ser; replaces asparagine 71 with serine.
Molecular consequence: missense variant. On other transcripts: intron variant (1).
Genome position (GRCh38, 1-based): chr1:169,477,750, T>C on the plus strand (A>G on the coding strand, the complement: SLC19A2 is on the minus strand). VCF-style: chr1-169477750-T-C. GRCh37 (hg19) VCF-style: chr1-169446988-T-C.
Other names: c.205-7564A>G (NM_001319667.1); short protein forms N71S.
Identifiers: ClinVar variation 293531 (VCV000293531.12), dbSNP rs149595229, ClinGen allele CA1233107.

ClinVar aggregate classification (germline): Uncertain significance. Review status: criteria provided, multiple submitters, no conflicts (2 of 4 stars). 5 submissions from 5 submitters: Uncertain significance (5). Last evaluated 2024-10-23.

Conditions:
Megaloblastic anemia, thiamine-responsive, with diabetes mellitus and sensorineural deafness (TRMA). Also called: THIAMINE METABOLISM DYSFUNCTION SYNDROME 1 (MEGALOBLASTIC ANEMIA, DIABETES MELLITUS, AND DEAFNESS TYPE); Thiamine-Responsive Megaloblastic Anemia Syndrome; ROGERS SYNDROME; THIAMINE-RESPONSIVE ANEMIA SYNDROME; THIAMINE-RESPONSIVE MYELODYSPLASIA. Identifiers: Orphanet 49827, MedGen C0342287, MONDO:0009575, OMIM 249270.
Inborn genetic diseases. Identifiers: MedGen C0950123, MeSH D030342.

Allele frequency attached by ClinVar (database versions not stated): TOPMed 0.00011; ESP Exome Variant Server 0.00015; gnomAD 0.00017.

Submissions (5):

Blueprint Genetics
Classification: Uncertain significance. Last evaluated: 2024-10-23. Review status: criteria provided, single submitter. Criteria: ACMG Guidelines, 2015. Collection method: clinical testing. Allele origin: germline.

Ambry Genetics
Classification: Uncertain significance for Inborn genetic diseases. Last evaluated: 2024-05-22. Review status: criteria provided, single submitter. Criteria: Ambry Variant Classification Scheme 2023. Collection method: clinical testing. Allele origin: germline.
Comment: The c.212A>G (p.N71S) alteration is located in exon 2 (coding exon 2) of the SLC19A2 gene. This alteration results from a A to G substitution at nucleotide position 212, causing the asparagine (N) at amino acid position 71 to be replaced by a serine (S). The p.N71S alteration is predicted to be tolerated by in silico analysis. Based on insufficient or conflicting evidence, the clinical significance of this alteration remains unclear.

Fulgent Genetics
Classification: Uncertain significance for Megaloblastic anemia, thiamine-responsive, with diabetes mellitus and sensorineural deafness. Last evaluated: 2024-03-08. Review status: criteria provided, single submitter. Criteria: ACMG Guidelines, 2015. Collection method: clinical testing. Allele origin: germline.

GeneDx
Classification: Uncertain significance. Last evaluated: 2022-03-11. Review status: criteria provided, single submitter. Criteria: GeneDx Variant Classification Process June 2021. Collection method: clinical testing. Allele origin: germline. Affected: yes.
Comment: In silico analysis supports that this missense variant has a deleterious effect on protein structure/function; Has not been previously published as pathogenic or benign to our knowledge

Illumina Laboratory Services, Illumina
Classification: Uncertain significance for Megaloblastic anemia, thiamine-responsive, with diabetes mellitus and sensorineural deafness. Last evaluated: 2018-01-13. Review status: criteria provided, single submitter. Criteria: ICSL Variant Classification Criteria 13 December 2019. Collection method: clinical testing. Allele origin: germline.